The following is an entry in ClinVar:

ClinVar aggregate classification (germline): Uncertain significance. Review status: criteria provided, multiple submitters, no conflicts (2 of 4 stars). 2 submissions from 2 submitters: Uncertain significance (2). Last evaluated 2025-04-23.

Conditions:
Cowden syndrome 6 (CWS6). Identifiers: Orphanet 201, MedGen C3554519, MONDO:0014048, OMIM 615109.

Allele frequency attached by ClinVar (database versions not stated): gnomAD 0.00015 and 0.00016; TOPMed 0.00026; 1000 Genomes Project 0.00040; 1000 Genomes Project 30x 0.00047.

Submissions (2):

Labcorp Genetics (formerly Invitae), Labcorp
Classification: Uncertain significance for Cowden syndrome 6. Last evaluated: 2025-04-23. Review status: criteria provided, single submitter. Criteria: Invitae Variant Classification Sherloc (09022015). Collection method: clinical testing. Allele origin: germline.
Comment: This sequence change falls in intron 4 of the AKT1 gene. It does not directly change the encoded amino acid sequence of the AKT1 protein. It affects a nucleotide within the consensus splice site. This variant is present in population databases (rs61761189, gnomAD 0.04%). This variant has not been reported in the literature in individuals affected with AKT1-related conditions. ClinVar contains an entry for this variant (Variation ID: 410913). Variants that disrupt the consensus splice site are a relatively common cause of aberrant splicing (PMID: 17576681, 9536098). Algorithms developed to predict the effect of sequence changes on RNA splicing suggest that this variant is not likely to affect RNA splicing. In summary, the available evidence is currently insufficient to determine the role of this variant in disease. Therefore, it has been classified as a Variant of Uncertain Significance.

Mendelics
Classification: Uncertain significance for Cowden syndrome 6. Last evaluated: 2018-07-02. Review status: criteria provided, single submitter. Criteria: Mendelics Assertion Criteria 2017. Collection method: clinical testing. Allele origin: unknown.

Literature cited by the submitters: PubMed 17576681 (cited by Labcorp Genetics (formerly Invitae), Labcorp); PubMed 9536098 (cited by Labcorp Genetics (formerly Invitae), Labcorp).

NM_001382430.1(AKT1):c.288-3C>T

Gene: AKT1 (AKT serine/threonine kinase 1; minus strand). Cytogenetic location: 14q32.33.
Variant type: single nucleotide variant.
Coding change: c.288-3C>T on transcript NM_001382430.1 (MANE Select); 3 bases into the intron before coding-DNA position 288, C replaced by T.
Molecular consequence: intron variant.
Genome position (GRCh38, 1-based): chr14:104,775,802, G>A on the plus strand (C>T on the coding strand, the complement: AKT1 is on the minus strand). VCF-style: chr14-104775802-G-A. GRCh37 (hg19) VCF-style: chr14-105242139-G-A.
Other names: c.288-3C>T (NM_001014431.2, NM_001014432.2, NM_001382433.1 and 3 more transcripts).
Identifiers: ClinVar variation 410913 (VCV000410913.11), dbSNP rs61761189, ClinGen allele CA7374819.